The following is an entry in ClinVar:

ClinVar aggregate classification (germline): Uncertain significance (1 of 4 stars; one submission).

Allele frequency attached by ClinVar (database versions not stated): gnomAD exomes below 0.00001.
gnomAD v4.1: 1 of 1,613,744 alleles (0.000062%); highest among the groups gnomAD compares: Non-Finnish European, 0.000085%; no homozygotes.

Submission:

Labcorp Genetics (formerly Invitae), Labcorp
Classification: Uncertain significance. Last evaluated: 2023-11-27. Review status: criteria provided, single submitter. Criteria: Invitae Variant Classification Sherloc (09022015). Collection method: clinical testing. Allele origin: germline.
Comment: This sequence change replaces alanine, which is neutral and non-polar, with proline, which is neutral and non-polar, at codon 607 of the TTC37 protein (p.Ala607Pro). This variant is present in population databases (no rsID available, gnomAD 0.0009%). This variant has not been reported in the literature in individuals affected with TTC37-related conditions. ClinVar contains an entry for this variant (Variation ID: 2054543). An algorithm developed to predict the effect of missense changes on protein structure and function (PolyPhen-2) suggests that this variant is likely to be disruptive. In summary, the available evidence is currently insufficient to determine the role of this variant in disease. Therefore, it has been classified as a Variant of Uncertain Significance.

NM_014639.4(SKIC3):c.1819G>C (p.Ala607Pro)

Gene: SKIC3 (SKI3 subunit of superkiller complex; minus strand). Cytogenetic location: 5q15.
Variant type: single nucleotide variant.
Coding change: c.1819G>C on transcript NM_014639.4 (MANE Select); coding-DNA position 1819, G replaced by C.
Protein change: p.Ala607Pro; replaces alanine 607 with proline.
Molecular consequence: missense variant.
Genome position (GRCh38, 1-based): chr5:95,522,246, C>G on the plus strand (G>C on the coding strand, the complement: SKIC3 is on the minus strand). VCF-style: chr5-95522246-C-G. GRCh37 (hg19) VCF-style: chr5-94857950-C-G.
Other names: short protein forms A607P.
Identifiers: ClinVar variation 2054543 (VCV002054543.4), dbSNP rs1262287720, ClinGen allele CA360463409.